The following is an entry in ClinVar:

ClinVar aggregate classification (germline): Uncertain significance (1 of 4 stars; one submission).

Submission:

Labcorp Genetics (formerly Invitae), Labcorp
Classification: Uncertain significance. Last evaluated: 2022-10-24. Review status: criteria provided, single submitter. Criteria: Invitae Variant Classification Sherloc (09022015). Collection method: clinical testing. Allele origin: germline.
Comment: This sequence change falls in intron 10 of the PDZD7 gene. It does not directly change the encoded amino acid sequence of the PDZD7 protein. It affects a nucleotide within the consensus splice site. This variant is not present in population databases (gnomAD no frequency). This variant has not been reported in the literature in individuals affected with PDZD7-related conditions. ClinVar contains an entry for this variant (Variation ID: 1480319). Variants that disrupt the consensus splice site are a relatively common cause of aberrant splicing (PMID: 17576681, 9536098). Algorithms developed to predict the effect of sequence changes on RNA splicing suggest that this variant is not likely to affect RNA splicing. In summary, the available evidence is currently insufficient to determine the role of this variant in disease. Therefore, it has been classified as a Variant of Uncertain Significance.

Literature cited by the submitters: PubMed 17576681; PubMed 9536098.

NM_001195263.2(PDZD7):c.1573+4A>T

Gene: PDZD7 (PDZ domain containing 7; minus strand). Cytogenetic location: 10q24.31.
Variant type: single nucleotide variant.
Coding change: c.1573+4A>T on transcript NM_001195263.2 (MANE Select); 4 bases into the intron after coding-DNA position 1573, A replaced by T.
Molecular consequence: intron variant.
Genome position (GRCh38, 1-based): chr10:101,016,373, T>A on the plus strand (A>T on the coding strand, the complement: PDZD7 is on the minus strand). VCF-style: chr10-101016373-T-A. GRCh37 (hg19) VCF-style: chr10-102776130-T-A.
Identifiers: ClinVar variation 1480319 (VCV001480319.6), dbSNP rs1852627386, ClinGen allele CA2573145520.
Genomic context (GRCh38, chr10:101,016,373, plus strand): 5'-AGTATGCACCCTCATCTGCCGCTCTACTGTAAACTAGGCCTTGGTAAAGGGATGCATGAA[T>A]TACCACGTCTCAGTCTCCAGGTGACAAACTTCTGTACCGGGCCCACGCCCCCTGCTATGA-3'